The following is an entry in ClinVar:

ClinVar aggregate classification (germline): Conflicting classifications of pathogenicity. Review status: criteria provided, conflicting classifications (1 of 4 stars). 3 submissions from 3 submitters: Uncertain significance (2); Likely benign (1). Last evaluated 2024-09-01.

Conditions:
Hereditary breast ovarian cancer syndrome. Also called: Hereditary breast and ovarian cancer syndrome (HBOC); Breast and ovarian cancer; Hereditary breast and ovarian cancer syndrome; Hereditary breast and ovarian cancer; Hereditary breast and/or ovarian cancer syndrome; BRCA1- and BRCA2-Associated Hereditary Breast and Ovarian Cancer. Identifiers: Orphanet 145, MedGen C0677776, MeSH D061325, MONDO:0003582. Disease mechanism: loss of function.
Fanconi anemia, complementation group S (FANCS). Identifiers: MedGen C4554406, MONDO:0054748, OMIM 617883.
Familial cancer of breast. Also called: BREAST CANCER, FAMILIAL; Hereditary breast cancer; hereditary breast carcinoma. Identifiers: Orphanet 227535, MedGen C0346153, MONDO:0016419, OMIM 114480. Disease mechanism: loss of function.
Breast-ovarian cancer, familial, susceptibility to, 1 (BROVCA1). Also called: BRCA1 Hereditary Breast and Ovarian Cancer; OVARIAN CANCER, SUSCEPTIBILITY TO. Identifiers: Orphanet 145, MedGen C2676676, MONDO:0011450, OMIM 604370. Disease mechanism: loss of function.
Hereditary cancer-predisposing syndrome. Also called: Hereditary Cancer Syndrome; Hereditary neoplastic syndrome; Neoplastic Syndromes, Hereditary; Tumor predisposition. Identifiers: Orphanet 140162, MedGen C0027672, MeSH D009386, MONDO:0015356.

Allele frequency attached by ClinVar (database versions not stated): gnomAD exomes below 0.00001.
gnomAD v4.1: 1 of 1,609,582 alleles (0.000062%); highest among the groups gnomAD compares: South Asian, 0.0011%; no homozygotes.

Submissions (3):

Molecular Diagnostics Laboratory, Catalan Institute of Oncology
Classification: Uncertain significance for Hereditary cancer-predisposing syndrome. Last evaluated: 2024-09-01. Review status: criteria provided, single submitter. Criteria: ClinGen BRCA1BRCA2 ACMG Specifications BRCA1 V1.0.0. Collection method: clinical testing. Allele origin: germline.
Comment: PP3 BRCA1 c.548-14G>A, is an intronic variant not very close to a canonical splice site. However, the SpliceAI algorithm predicts that the variant alters the splicing of intron 9 (10 according to BIC nomenclature) with the probable generation of a new acceptor site 13 bps downstream of the canonical site (PP3).This variant is found in 1/235652, at a frequency < 0.0001% in the gnomAD v2.1.1 database (exome non-cancer data set). To our knowledge, functional studies have not been reported for this variant. c.548-14G>A has been reported in ClinVar (1x likely benign), LOVD (1x uncertain significance) but it was notclassified in the BRCA Exchange (‘not yet reviewed’) database. This variant has been reported in individuals affected with breast cancer as well as in controls (PMID: 14973102). Based on currently available information, the variant c.548-14G>A is classified as an uncertain significance variant according to ClinGen-BRCA1 and BRCA2 Guidelines version 1.0.0.

Labcorp Genetics (formerly Invitae), Labcorp
Classification: Likely benign for Hereditary breast ovarian cancer syndrome. Last evaluated: 2024-06-19. Review status: criteria provided, single submitter. Criteria: Invitae Variant Classification Sherloc (09022015). Collection method: clinical testing. Allele origin: germline.

Department of Pathology and Laboratory Medicine, Sinai Health System
Classification: Uncertain significance for Familial cancer of breast; Breast-ovarian cancer, familial, susceptibility to, 1; Fanconi anemia, complementation group S. Last evaluated: 2020-02-03. Review status: criteria provided, single submitter. Criteria: ACMG Guidelines, 2015. Collection method: clinical testing. Allele origin: germline.

Literature cited by the submitters: PubMed 14973102 (cited by Department of Pathology and Laboratory Medicine, Sinai Health System).

NM_007294.4(BRCA1):c.548-14G>A

Gene: BRCA1 (BRCA1 DNA repair associated; minus strand). Cytogenetic location: 17q21.31.
Variant type: single nucleotide variant.
Coding change: c.548-14G>A on transcript NM_007294.4 (MANE Select); 14 bases into the intron before coding-DNA position 548, G replaced by A.
Molecular consequence: intron variant.
Genome position (GRCh38, 1-based): chr17:43,097,303, C>T on the plus strand (G>A on the coding strand, the complement: BRCA1 is on the minus strand). VCF-style: chr17-43097303-C-T. GRCh37 (hg19) VCF-style: chr17-41249320-C-T.
Other names: c.407-14G>A (NM_001408458.1, NM_001408469.1, NM_001408453.1 and 43 more transcripts); c.-218-2443G>A (NM_001407967.1, NM_001407966.1); c.167-14G>A (NM_001407959.1, NM_001408510.1, NM_001407963.1 and 1 more transcripts); c.404-2443G>A (NM_001407931.1, NM_001407932.1, NM_001408503.1 and 5 more transcripts); c.404-14G>A (NM_001407747.1, NM_001408470.1, NM_001407848.1 and 26 more transcripts); c.164-14G>A (NM_001407962.1); c.167-2443G>A (NM_001408512.1, NM_001407965.1); c.338-14G>A (NM_001407885.1, NM_001407886.1, NM_001407881.1 and 27 more transcripts); and 17 more.
Identifiers: ClinVar variation 1644390 (VCV001644390.11), dbSNP rs1451322222, ClinGen allele CA626077256.
Genomic context (GRCh38, chr17:43,097,303, plus strand): 5'-CCTGCAATAAGTTGCCTTATTAACGGTATCTTCAGAAGAATCAGATCCTAAAAAATTTCC[C>T]CCCAAAAAATAAATCAATAAAAGTTTTCTTAATTAAAAGGGTTAAAAAAATGTACTTGTT-3'